The following is an entry in ClinVar:

NM_000090.4(COL3A1):c.2381G>T (p.Arg794Leu)

Genes: COL3A1 (collagen type III alpha 1 chain; plus strand), LOC126806446 (P300/CBP strongly-dependent group 1 enhancer GRCh37_chr2:189866210-189867409; plus strand). Cytogenetic location: 2q32.2.
Variant type: single nucleotide variant.
Coding change: c.2381G>T on transcript NM_000090.4 (MANE Select); coding-DNA position 2381, G replaced by T.
Protein change: p.Arg794Leu; replaces arginine 794 with leucine.
Molecular consequence: missense variant.
Genome position (GRCh38, 1-based): chr2:189,001,579, G>T. VCF-style: chr2-189001579-G-T. GRCh37 (hg19) VCF-style: chr2-189866305-G-T.
Other names: short protein forms R794L.
Identifiers: ClinVar variation 3072385 (VCV003072385.1), dbSNP rs1332613006, ClinGen allele CA349842542.

ClinVar aggregate classification (germline): Uncertain significance (1 of 4 stars; one submission).

Conditions:
Ehlers-Danlos syndrome, type 4 (EDSVASC). Also called: Ehlers-Danlos Syndrome Type IV; Ehlers-Danlos syndrome vascular type; Ehlers Danlos syndrome, ecchymotic type; Ehlers Danlos syndrome, arterial type; Ehlers Danlos syndrome, Sack-Barabas type. Identifiers: Orphanet 286, MedGen C0268338, MONDO:0017314, OMIM 130050.

gnomAD v4.1: 2 of 1,613,966 alleles (0.00012%); highest among the groups gnomAD compares: Non-Finnish European, 0.00017%; no homozygotes.

Submission:

All of Us Research Program, National Institutes of Health
Classification: Uncertain significance for Ehlers-Danlos syndrome, type 4. Last evaluated: 2023-07-10. Review status: criteria provided, single submitter. Criteria: ACMG Guidelines, 2015. Collection method: clinical testing. Allele origin: germline. Inheritance: Autosomal dominant inheritance. Observed: 1 variant allele, 1 heterozygote.
Comment: This missense variant replaces arginine with leucine at codon 794 of the COL3A1 protein. Computational prediction suggests that this variant may have deleterious impact on protein structure and function (internally defined REVEL score threshold >= 0.7, PMID: 27666373). To our knowledge, functional studies have not been reported for this variant. This variant has not been reported in individuals affected with COL3A1-related disorders in the literature. This variant has not been identified in the general population by the Genome Aggregation Database (gnomAD). The available evidence is insufficient to determine the role of this variant in disease conclusively. Therefore, this variant is classified as a Variant of Uncertain Significance.

This study involves interpretation of variants in research participants for the purpose of population health screening. Participant phenotype was not available at the time of variant classification. Additional details can be found in publication PMID: 35346344, PMCID: PMC8962531